The following is an entry in ClinVar:

NM_001145073.3(USP27X):c.421C>T (p.His141Tyr)

Gene: USP27X (ubiquitin specific peptidase 27 X-linked; plus strand). Cytogenetic location: Xp11.23.
Variant type: single nucleotide variant.
Coding change: c.421C>T on transcript NM_001145073.3 (MANE Select); coding-DNA position 421, C replaced by T.
Protein change: p.His141Tyr; replaces histidine 141 with tyrosine.
Molecular consequence: missense variant.
Genome position (GRCh38, 1-based): chrX:49,880,728, C>T. VCF-style: chrX-49880728-C-T. GRCh37 (hg19) VCF-style: chrX-49645331-C-T.
Other names: short protein forms H141Y.
Identifiers: ClinVar variation 4534911 (VCV004534911.6).

ClinVar aggregate classification (germline): Uncertain significance (1 of 4 stars; one submission).

Submission:

CeGaT Center for Human Genetics Tuebingen
Classification: Uncertain significance. Last evaluated: 2025-10-01. Review status: criteria provided, single submitter. Criteria: CeGaT Center For Human Genetics Tuebingen Variant Classification Criteria Version 2. Collection method: clinical testing. Allele origin: germline. Affected: yes. Observed: 2 variant alleles.
Comment: USP27X: PM2, PP2, PP3